The following is an entry in ClinVar:

NM_000124.4(ERCC6):c.555A>T (p.Leu185=)

Gene: ERCC6 (ERCC excision repair 6, chromatin remodeling factor; minus strand). Cytogenetic location: 10q11.23.
Variant type: single nucleotide variant.
Coding change: c.555A>T on transcript NM_000124.4 (MANE Select); coding-DNA position 555, A replaced by T.
Protein change: p.Leu185=; no amino-acid change (leucine 185 retained).
Molecular consequence: synonymous variant.
Genome position (GRCh38, 1-based): chr10:49,528,514, T>A on the plus strand (A>T on the coding strand, the complement: ERCC6 is on the minus strand). VCF-style: chr10-49528514-T-A. GRCh37 (hg19) VCF-style: chr10-50736560-T-A.
Other names: c.555A>T, p.Leu185= (NM_001277058.2, NM_001277059.2, NM_001346440.2).
Identifiers: ClinVar variation 1136634 (VCV001136634.32), dbSNP rs769733106, ClinGen allele CA5496493.
Genomic context (GRCh38, chr10:49,528,514, plus strand): 5'-TTTCACCTCTGCTCCTCCAAGGATGGCCTGGAGATGCTTTTGTTTTGCAGTGATCTTTTT[T>A]AGCTGTTGTTCCTTGAATGGTAAATATAGAAGACAGAAAACAGCAATGAAGTGATTTATT-3'
Protein context (NP_000115.1, residues 175-195): KRQKYNKEQQ[Leu185=]KKITAKQKHL

ClinVar aggregate classification (germline): Likely benign. Review status: criteria provided, multiple submitters, no conflicts (2 of 4 stars). 2 submissions from 2 submitters: Likely benign (2). Last evaluated 2025-04-15.

Allele frequency attached by ClinVar (database versions not stated): TOPMed below 0.00001; gnomAD 0.00001.
gnomAD v4.1: 15 of 1,614,204 alleles (0.00093%); highest among the groups gnomAD compares: East Asian, 0.02%; no homozygotes.

Submissions (2):

Labcorp Genetics (formerly Invitae), Labcorp
Classification: Likely benign. Last evaluated: 2025-04-15. Review status: criteria provided, single submitter. Criteria: Invitae Variant Classification Sherloc (09022015). Collection method: clinical testing. Allele origin: germline.

CeGaT Center for Human Genetics Tuebingen
Classification: Likely benign. Last evaluated: 2023-01-01. Review status: criteria provided, single submitter. Criteria: CeGaT Center For Human Genetics Tuebingen Variant Classification Criteria Version 2. Collection method: clinical testing. Allele origin: germline. Affected: yes. Observed: 1 variant allele.
Comment: ERCC6: BP4, BP7